The following continues an entry in ClinVar:

NM_000051.4(ATM):c.2442C>A (p.Asp814Glu)

Gene: ATM. ClinVar aggregate classification (germline): Benign. Benign (20).

Submissions 25 to 27 of 27:

Department of Pathology and Laboratory Medicine, Sinai Health System
Classification: Benign for Malignant tumor of breast. Review status: no assertion criteria provided. Collection method: clinical testing. Allele origin: unknown. Affected: yes. Observed: 2 variant alleles. Study: The Canadian Open Genetics Repository (COGR). Not counted in ClinVar's aggregate classification.
Comment: The ATM p.Asp814Glu variant was identified in 1 of 9370 proband chromosomes (frequency: 0.0001) from individuals or families with breast cancer and was present in 6 of 11286 control chromosomes (frequency: 0.0005) from healthy individuals (Johnson 2007, Mangone 2015, Tavtigian 2009). The variant was also identified in the following databases: dbSNP (ID: rs3218695) as "With Benign, Likely benign allele", ClinVar (4x, benign), and Clinvitae (3x, benign). The variant was not identified in Cosmic, MutDB, LOVD 3.0, or the ATM-LOVD databases. The variant was identified in control databases in 646 of 276916 chromosomes (8 homozygous) at a frequency of 0.002 increasing the likelihood this could be a low frequency benign variant (Genome Aggregation Database Feb 27, 2017). Observations by population include African in 567 of 24008 chromosomes (freq: 0.02), Other in 9 of 6464 chromosomes (freq: 0.001), Latino in 51 of 34412 chromosomes (freq: 0.001), European in 18 of 126598 chromosomes (freq: 0.0001), and South Asian in 1 of 30764 chromosomes (freq: 0.00003). The variant was not observed in the Ashkenazi Jewish, East Asian, or Finnish populations. The p.Asp814 residue is conserved in mammals but not in more distantly related organisms. However computational analyses (PolyPhen-2, SIFT, AlignGVGD, BLOSUM, MutationTaster) do not suggest a high likelihood of impact to the protein; this information is not predictive enough to rule out pathogenicity. The variant occurs outside of the splicing consensus sequence and 1 of 5 in silico or computational prediction software programs (SpliceSiteFinder, MaxEntScan, NNSPLICE, GeneSplicer, HumanSpliceFinder) predict a greater than 10% difference in splicing; this is also not very predictive of pathogenicity. In summary, based on the above information this variant meets our laboratory's criteria to be classified as benign.

Joint Genome Diagnostic Labs from Nijmegen and Maastricht, Radboudumc and MUMC+
Classification: Benign. Review status: no assertion criteria provided. Collection method: clinical testing. Allele origin: germline. Affected: yes. Study: VKGL Data-share Consensus. Not counted in ClinVar's aggregate classification.

Laboratory of Diagnostic Genome Analysis, Leiden University Medical Center (LUMC)
Classification: Likely benign. Review status: no assertion criteria provided. Collection method: clinical testing. Allele origin: germline. Affected: yes. Study: VKGL Data-share Consensus. Not counted in ClinVar's aggregate classification.

Literature cited by the submitters: PubMed 19404735 (cited by Athena Diagnostics and Quest Diagnostics Nichols Institute San Juan Capistrano); PubMed 33471991 (cited by Athena Diagnostics); PubMed 36898365 (cited by Athena Diagnostics); PubMed 38156855 (cited by Athena Diagnostics); PubMed 32039725 (cited by Athena Diagnostics and Quest Diagnostics Nichols Institute San Juan Capistrano); PubMed 21787400 (cited by Athena Diagnostics and Quest Diagnostics Nichols Institute San Juan Capistrano); PubMed 19781682 (cited by Athena Diagnostics and Quest Diagnostics Nichols Institute San Juan Capistrano); PubMed 24728327 (cited by 3 submitters); PubMed 25625042 (cited by 3 submitters); PubMed 23555315 (cited by Athena Diagnostics and Quest Diagnostics Nichols Institute San Juan Capistrano); PubMed 17517479 (cited by Athena Diagnostics and Quest Diagnostics Nichols Institute San Juan Capistrano); PubMed 18502988 (cited by Athena Diagnostics and Quest Diagnostics Nichols Institute San Juan Capistrano); PubMed 25318351 (cited by Athena Diagnostics and Illumina Laboratory Services, Illumina).